The following is an entry in ClinVar:

ClinVar aggregate classification (germline): Conflicting classifications of pathogenicity. Review status: criteria provided, conflicting classifications (1 of 4 stars). 3 submissions from 3 submitters: Uncertain significance (1); Likely benign (2). Last evaluated 2026-02-01.

gnomAD v4.1: 89 of 836,182 alleles (0.011%); highest among the groups gnomAD compares: Middle Eastern, 0.091%; no homozygotes.

Submissions (3):

CeGaT Center for Human Genetics Tuebingen
Classification: Likely benign. Last evaluated: 2026-02-01. Review status: criteria provided, single submitter. Criteria: CeGaT Center For Human Genetics Tuebingen Variant Classification Criteria Version 2. Collection method: clinical testing. Allele origin: germline. Affected: yes. Observed: 2 variant alleles.
Comment: HYDIN: BP7

GeneDx
Classification: Uncertain significance. Last evaluated: 2025-05-22. Review status: criteria provided, single submitter. Criteria: GeneDx Variant Classification Process June 2021. Collection method: clinical testing. Allele origin: germline. Affected: yes.
Comment: Has not been previously published as pathogenic or benign to our knowledge; In silico analysis is inconclusive as to whether the variant alters gene splicing; in the absence of RNA/functional studies, the actual effect of this sequence change is unknown

Blueprint Genetics
Classification: Likely benign. Last evaluated: 2024-09-10. Review status: criteria provided, single submitter. Criteria: ACMG Guidelines, 2015. Collection method: clinical testing. Allele origin: germline.

NM_001270974.2(HYDIN):c.1317C>T (p.Cys439=)

Gene: HYDIN (HYDIN axonemal central pair apparatus protein; minus strand). Cytogenetic location: 16q22.2.
Variant type: single nucleotide variant.
Coding change: c.1317C>T on transcript NM_001270974.2 (MANE Select); coding-DNA position 1317, C replaced by T.
Protein change: p.Cys439=; no amino-acid change (cysteine 439 retained).
Molecular consequence: synonymous variant.
Genome position (GRCh38, 1-based): chr16:71,115,706, G>A on the plus strand (C>T on the coding strand, the complement: HYDIN is on the minus strand). VCF-style: chr16-71115706-G-A. GRCh37 (hg19) VCF-style: chr16-71149609-G-A.
Other names: c.1317C>T (NM_001270974.1); c.1398C>T, p.Cys466= (NM_001198542.1); c.1368C>T, p.Cys456= (NM_001198543.1); c.1317C>T, p.Cys439= (NM_017558.5).
Identifiers: ClinVar variation 4083804 (VCV004083804.10).